The following is an entry in ClinVar:

NM_001173464.2(KIF21A):c.4602_4606del (p.Thr1535fs)

Gene: KIF21A (kinesin family member 21A; minus strand). Cytogenetic location: 12q12.
Variant type: Deletion.
Coding change: c.4602_4606del on transcript NM_001173464.2 (MANE Select); coding-DNA positions 4602 to 4606, 5 bases deleted (CACCC; older notation c.4602_4606delCACCC).
Protein change: p.Thr1535fs; shifts the reading frame from threonine 1535.
Molecular consequence: frameshift variant.
Genome position (GRCh38, 1-based): chr12:39,303,090-39,303,094, GGGTG deleted on the plus strand (CACCC on the coding strand, the reverse complement: KIF21A is on the minus strand); deleting any 5 consecutive bases within chr12:39,303,090-39,303,096 gives the same sequence; the c. name uses the placement nearest the transcript's 3' end. VCF-style (leftmost placement, unchanged base first): chr12-39303089-TGGGTG-T. GRCh37 (hg19) VCF-style: chr12-39696891-TGGGTG-T.
Other names: c.4491_4495del, p.Thr1498fs (NM_001173463.2); c.4443_4447del, p.Thr1482fs (NM_001173465.2); c.4605_4609del, p.Thr1536fs (NM_001378439.1); c.4590_4594del, p.Thr1531fs (NM_001378440.1); c.4566_4570del, p.Thr1523fs (NM_001378441.1); c.4563_4567del, p.Thr1522fs (NM_017641.4); short protein forms T1482fs, T1498fs, T1522fs, T1523fs, T1531fs, T1535fs, T1536fs.
Identifiers: ClinVar variation 1710001 (VCV001710001.2), dbSNP rs2498853209, ClinGen allele CA2580085415.

ClinVar aggregate classification (germline): Uncertain significance (1 of 4 stars; one submission).

Conditions:
Congenital fibrosis of extraocular muscles type 1. Also called: BLEPHAROPTOSIS WITH ABSENT EYE MOVEMENTS; OPHTHALMOPLEGIA, CONGENITAL; FEOM1 LOCUS; CFEOM3B. Identifiers: MedGen C1851102, MONDO:0021083, OMIM 135700.

Submission:

MGZ Medical Genetics Center
Classification: Uncertain significance for Congenital fibrosis of extraocular muscles type 1. Last evaluated: 2022-04-11. Review status: criteria provided, single submitter. Criteria: ACMG Guidelines, 2015. Collection method: clinical testing. Allele origin: germline. Affected: yes. Observed: 1 variant allele.
Comment: ACMG criteria applied: PVS1_MOD, PM2_SUP